The following is an entry in ClinVar:

ClinVar aggregate classification (germline): Benign (0 of 4 stars; one submission).

Conditions:
MUC16-related disorder. Also called: MUC16-related condition.

Allele frequency attached by ClinVar (database versions not stated): TOPMed 0.00020; gnomAD 0.00049; 1000 Genomes Project 30x 0.00312; 1000 Genomes Project 0.00339.

Submission:

PreventionGenetics, part of Exact Sciences
Classification: Benign for MUC16-related condition. Last evaluated: 2019-12-03. Review status: no assertion criteria provided. Collection method: clinical testing. Allele origin: germline.
Comment: This variant is classified as benign based on ACMG/AMP sequence variant interpretation guidelines (Richards et al. 2015 PMID: 25741868, with internal and published modifications).

NM_001401501.2(MUC16):c.31491G>A (p.Ser10497=)

Gene: MUC16 (mucin 16, cell surface associated; minus strand). Cytogenetic location: 19p13.2.
Variant type: single nucleotide variant.
Coding change: c.31491G>A on transcript NM_001401501.2 (MANE Select); coding-DNA position 31491, G replaced by A.
Protein change: p.Ser10497=; no amino-acid change (serine 10497 retained).
Molecular consequence: synonymous variant.
Genome position (GRCh38, 1-based): chr19:8,943,575, C>T on the plus strand (G>A on the coding strand, the complement: MUC16 is on the minus strand). VCF-style: chr19-8943575-C-T. GRCh37 (hg19) VCF-style: chr19-9054251-C-T.
Other names: c.31917G>A, p.Ser10639= (NM_001414686.1); c.31371G>A, p.Ser10457= (NM_001414687.1, NM_024690.2).
Identifiers: ClinVar variation 3041359 (VCV003041359.2), dbSNP rs201824294, ClinGen allele CA9166897.